The following is an entry in ClinVar:

ClinVar aggregate classification (germline): Conflicting classifications of pathogenicity. Review status: criteria provided, conflicting classifications (1 of 4 stars). 3 submissions from 3 submitters: Uncertain significance (2); Benign (1). Last evaluated 2025-11-21.

Conditions:
Familial adenomatous polyposis 2. Also called: MYH-associated polyposis; FAP type 2; MUTYH-associated polyposis; MUTYH-related attenuated familial adenomatous polyposis; Adenomas, multiple colorectal; COLORECTAL ADENOMATOUS POLYPOSIS, AUTOSOMAL RECESSIVE. Identifiers: Orphanet 220460, Orphanet 247798, MedGen C3272841, MONDO:0012041, OMIM 608456.
Hereditary cancer-predisposing syndrome. Also called: Neoplastic Syndromes, Hereditary; Tumor predisposition; Hereditary Cancer Syndrome; Hereditary neoplastic syndrome. Identifiers: Orphanet 140162, MedGen C0027672, MeSH D009386, MONDO:0015356.

Submissions (3):

Labcorp Genetics (formerly Invitae), Labcorp
Classification: Uncertain significance for Familial adenomatous polyposis 2. Last evaluated: 2025-11-21. Review status: criteria provided, single submitter. Criteria: Invitae Variant Classification Sherloc (09022015). Collection method: clinical testing. Allele origin: germline.
Comment: This sequence change replaces valine, which is neutral and non-polar, with isoleucine, which is neutral and non-polar, at codon 93 of the MUTYH protein (p.Val93Ile). This variant is not present in population databases (gnomAD no frequency). This variant has not been reported in the literature in individuals affected with MUTYH-related conditions. ClinVar contains an entry for this variant (Variation ID: 1332395). An algorithm developed to predict the effect of missense changes on protein structure and function outputs the following: PolyPhen-2: "Benign". The isoleucine amino acid residue is found in multiple mammalian species, which suggests that this missense change does not adversely affect protein function. In summary, the available evidence is currently insufficient to determine the role of this variant in disease. Therefore, it has been classified as a Variant of Uncertain Significance.

Ambry Genetics
Classification: Benign for Hereditary cancer-predisposing syndrome. Last evaluated: 2025-09-09. Review status: criteria provided, single submitter. Criteria: Ambry Variant Classification Scheme 2023. Collection method: clinical testing. Allele origin: germline.

Color Diagnostics, LLC DBA Color Health
Classification: Uncertain significance for Hereditary cancer-predisposing syndrome. Last evaluated: 2024-03-06. Review status: criteria provided, single submitter. Criteria: ACMG Guidelines, 2015. Collection method: clinical testing. Allele origin: germline.
Comment: This missense variant replaces valine with isoleucine at codon 93 of the MUTYH protein. Computational prediction suggests that this variant may not impact protein structure and function (internally defined REVEL score threshold <= 0.5, PMID: 27666373). To our knowledge, functional studies have not been reported for this variant. This variant has not been reported in individuals affected with hereditary cancer in the literature. This variant has not been identified in the general population by the Genome Aggregation Database (gnomAD). The available evidence is insufficient to determine the role of this variant in disease conclusively. Therefore, this variant is classified as a Variant of Uncertain Significance.

NM_001048174.2(MUTYH):c.193G>A (p.Val65Ile)

Gene: MUTYH (mutY DNA glycosylase; minus strand). Cytogenetic location: 1p34.1.
Variant type: single nucleotide variant.
Coding change: c.193G>A on transcript NM_001048174.2 (MANE Select); coding-DNA position 193, G replaced by A.
Protein change: p.Val65Ile; replaces valine 65 with isoleucine.
Molecular consequence: missense variant. On other transcripts: non-coding transcript variant (2), 5 prime UTR variant (4).
Genome position (GRCh38, 1-based): chr1:45,333,484, C>T on the plus strand (G>A on the coding strand, the complement: MUTYH is on the minus strand). VCF-style: chr1-45333484-C-T. GRCh37 (hg19) VCF-style: chr1-45799156-C-T.
Other names: c.193G>A, p.Val65Ile (NM_001048171.2, NM_001048173.2, NM_001293195.2); c.196G>A, p.Val66Ile (NM_001048172.2); c.277G>A, p.Val93Ile (NM_001128425.2); c.238G>A, p.Val80Ile (NM_001293190.2); c.226G>A, p.Val76Ile (NM_001293191.2); c.-84G>A (NM_001293192.2, NM_001293196.2); c.-79G>A (NM_001350650.2, NM_001350651.2); c.268G>A, p.Val90Ile (NM_012222.3); short protein forms V65I, V66I, V76I, V80I, V90I, V93I.
Identifiers: ClinVar variation 1332395 (VCV001332395.11), dbSNP rs2149174007, ClinGen allele CA340136469.